The following is an entry in ClinVar:

NM_006796.3(AFG3L2):c.292+2T>C

Gene: AFG3L2 (AFG3 like matrix AAA peptidase subunit 2; minus strand). Cytogenetic location: 18p11.21.
Variant type: single nucleotide variant.
Coding change: c.292+2T>C on transcript NM_006796.3 (MANE Select); the canonical splice donor site of the intron after coding-DNA position 292, T replaced by C.
Molecular consequence: splice donor variant.
Genome position (GRCh38, 1-based): chr18:12,370,847, A>G on the plus strand (T>C on the coding strand, the complement: AFG3L2 is on the minus strand). VCF-style: chr18-12370847-A-G. GRCh37 (hg19) VCF-style: chr18-12370846-A-G.
Other names: NC_000018.9:g.12370846A>G.
Identifiers: ClinVar variation 418753 (VCV000418753.14), dbSNP rs779805236, ClinGen allele CA8896790.

ClinVar aggregate classification (germline): Uncertain significance. Review status: criteria provided, multiple submitters, no conflicts (2 of 4 stars). 6 submissions from 6 submitters: Uncertain significance (5). 1 of the submissions does not count toward it. Last evaluated 2026-02-18.

Conditions:
Retinal disorder. Also called: Retinopathies; Retinal Diseases; Retinopathy; Retinal disorders. Identifiers: MedGen C0035309, MONDO:0005283, HP:0000488.

Allele frequency attached by ClinVar (database versions not stated): gnomAD 0.00004 and 0.00005; gnomAD exomes 0.00007 and 0.00009; TOPMed 0.00009; ExAC 0.00010.
gnomAD v4.1: 135 of 1,564,668 alleles (0.0086%); highest among the groups gnomAD compares: Non-Finnish European, 0.011%; no homozygotes.

Submissions (7):

Genetics Laboratory, Great Ormond Street Hospital NHS Foundation Trust, North Thames Genomic Laboratory Hub
Classification: Uncertain significance for Retinal disorders. Last evaluated: 2026-02-18. Review status: criteria provided, single submitter. Criteria: ACGS Best Practice Guidelines for Variant Classification in Rare Disease 2024 v1.2. Collection method: clinical testing. Allele origin: germline. Affected: yes.
Comment: PM2_moderate, PVS1_moderate

Athena Diagnostics
Classification: Uncertain significance. Last evaluated: 2024-07-24. Review status: criteria provided, single submitter. Criteria: Athena Diagnostics Criteria. Collection method: clinical testing. Allele origin: unknown.

Blueprint Genetics
Classification: Uncertain significance. Last evaluated: 2023-11-16. Review status: criteria provided, single submitter. Criteria: ACMG Guidelines, 2015. Collection method: clinical testing. Allele origin: germline.

Women's Health and Genetics/Laboratory Corporation of America, LabCorp
Classification: Uncertain significance. Last evaluated: 2022-11-22. Review status: criteria provided, single submitter. Criteria: LabCorp Variant Classification Summary - May 2015. Collection method: clinical testing. Allele origin: germline.
Comment: Variant summary: AFG3L2 c.292+2T>C is located in a canonical splice-site and is predicted to affect mRNA splicing resulting in a significantly altered protein due to either exon skipping, shortening, or inclusion of intronic material. Computational tools predict conflicting impact on normal splicing: three predict the variant abolishes a 5' splicing donor site, while one predicts the variant to have no significant impact. However, these predictions have yet to be confirmed by functional studies. The variant allele was found at a frequency of 6.6e-05 in 240936 control chromosomes, in a total of 16 individuals (gnomAD v2, Exomes cohort). To our knowledge, no occurrence of c.292+2T>C in individuals affected with AFG3L2-Related Disorders and no experimental evidence demonstrating its impact on protein function have been reported. Three ClinVar submitters (evaluation after 2014) cite the variant as uncertain significance. Based on the evidence outlined above, the variant was classified as uncertain significance.

GeneDx
Classification: Uncertain significance. Last evaluated: 2021-03-30. Review status: criteria provided, single submitter. Criteria: GeneDx Variant Classification Process June 2021. Collection method: clinical testing. Allele origin: germline. Affected: yes.
Comment: Has not been previously published as pathogenic or benign to our knowledge; Canonical splice site variant expected to result in aberrant splicing, although in the absence of functional evidence the actual effect of this sequence change is unknown.

Mayo Clinic Laboratories, Mayo Clinic
Classification: Uncertain significance. Last evaluated: 2016-03-08. Review status: no assertion criteria provided. Collection method: clinical testing. Allele origin: unknown. Not counted in ClinVar's aggregate classification.

Dr. Peter K. Rogan Lab, Western University
No classification provided (evidence only). Condition: Hepatocellular carcinoma. Review status: no classification provided. Collection method: in vitro. Allele origin: not applicable. Functional consequence: skipped exon. Not counted in ClinVar's aggregate classification.

Literature cited by the submitters: PubMed 35641312 (cited by Athena Diagnostics).